The following is an entry in ClinVar:

ClinVar aggregate classification (germline): Uncertain significance (1 of 4 stars; one submission).

Submission:

Labcorp Genetics (formerly Invitae), Labcorp
Classification: Uncertain significance. Last evaluated: 2022-11-14. Review status: criteria provided, single submitter. Criteria: Invitae Variant Classification Sherloc (09022015). Collection method: clinical testing. Allele origin: germline.
Comment: This sequence change replaces valine, which is neutral and non-polar, with alanine, which is neutral and non-polar, at codon 341 of the KIF20A protein (p.Val341Ala). This variant is not present in population databases (gnomAD no frequency). This variant has not been reported in the literature in individuals affected with KIF20A-related conditions. Algorithms developed to predict the effect of missense changes on protein structure and function (SIFT, PolyPhen-2, Align-GVGD) all suggest that this variant is likely to be disruptive. In summary, the available evidence is currently insufficient to determine the role of this variant in disease. Therefore, it has been classified as a Variant of Uncertain Significance.

NM_005733.3(KIF20A):c.1022T>C (p.Val341Ala)

Gene: KIF20A (kinesin family member 20A; plus strand). Cytogenetic location: 5q31.2.
Variant type: single nucleotide variant.
Coding change: c.1022T>C on transcript NM_005733.3 (MANE Select); coding-DNA position 1022, T replaced by C.
Protein change: p.Val341Ala; replaces valine 341 with alanine.
Molecular consequence: missense variant.
Genome position (GRCh38, 1-based): chr5:138,183,358, T>C. VCF-style: chr5-138183358-T-C. GRCh37 (hg19) VCF-style: chr5-137519047-T-C.
Other names: short protein forms V341A.
Identifiers: ClinVar variation 2810440 (VCV002810440.3), dbSNP rs1046423274, ClinGen allele CA361114944.
Genomic context (GRCh38, chr5:138,183,358, plus strand): 5'-GCCAACAGCGCAAGAGGCAGACTTTGCGGCTATGCGAGGATCAAAATGGCAATCCCTATG[T>C]GAAAGGTAAAGGAACATGGGGAAAGCTGGCATGAACCCTGGAGGGCAACTGGGGAGAGAC-3'
Protein context (NP_005724.1, residues 331-351): LCEDQNGNPY[Val341Ala]KDLNWIHVQD